The following is an entry in ClinVar:

NM_001673.5(ASNS):c.1593C>A (p.Asp531Glu)

Genes: ASNS (asparagine synthetase (glutamine-hydrolyzing); minus strand), CZ1P-ASNS (CZ1P-ASNS readthrough; minus strand). Cytogenetic location: 7q21.3.
Variant type: single nucleotide variant.
Coding change: c.1593C>A on transcript NM_001673.5 (MANE Select); coding-DNA position 1593, C replaced by A.
Protein change: p.Asp531Glu; replaces aspartic acid 531 with glutamic acid.
Molecular consequence: missense variant. On other transcripts: non-coding transcript variant (1).
Genome position (GRCh38, 1-based): chr7:97,852,352, G>T on the plus strand (C>A on the coding strand, the complement: ASNS is on the minus strand). VCF-style: chr7-97852352-G-T. GRCh37 (hg19) VCF-style: chr7-97481664-G-T.
Other names: c.1530C>A, p.Asp510Glu (NM_001178075.2); c.1344C>A, p.Asp448Glu (NM_001178076.2, NM_001178077.1); c.1593C>A, p.Asp531Glu (NM_001352496.2, NM_133436.3, NM_183356.4); short protein forms D448E, D510E, D531E.
Identifiers: ClinVar variation 1211854 (VCV001211854.12), dbSNP rs201432154, ClinGen allele CA4354469.

ClinVar aggregate classification (germline): Conflicting classifications of pathogenicity. Review status: criteria provided, conflicting classifications (1 of 4 stars). 3 submissions from 3 submitters: Uncertain significance (1); Likely benign (1). 1 of the submissions does not count toward it. Last evaluated 2025-12-08.

Conditions:
Congenital microcephaly - severe encephalopathy - progressive cerebral atrophy syndrome. Also called: ASNS DEFICIENCY; Asparagine synthetase deficiency. Identifiers: Orphanet 391376, MedGen C3809971, MONDO:0014258, OMIM 615574.

Allele frequency attached by ClinVar (database versions not stated): TOPMed 0.00003; gnomAD 0.00004 and 0.00005; ExAC 0.00005; 1000 Genomes Project 30x 0.00016; 1000 Genomes Project 0.00020.
gnomAD v4.1: 32 of 1,614,184 alleles (0.002%); highest among the groups gnomAD compares: East Asian, 0.056%; no homozygotes.

Submissions (3):

Labcorp Genetics (formerly Invitae), Labcorp
Classification: Likely benign. Last evaluated: 2025-12-08. Review status: criteria provided, single submitter. Criteria: Invitae Variant Classification Sherloc (09022015). Collection method: clinical testing. Allele origin: germline.

GeneDx
Classification: Uncertain significance. Last evaluated: 2021-01-05. Review status: criteria provided, single submitter. Criteria: GeneDx Variant Classification Process June 2021. Collection method: clinical testing. Allele origin: germline. Affected: yes.
Comment: Has not been previously published as pathogenic or benign to our knowledge; In silico analysis, which includes protein predictors and evolutionary conservation, supports that this variant does not alter protein structure/function

Natera, Inc.
Classification: Uncertain significance for Asparagine synthetase deficiency. Last evaluated: 2020-05-07. Review status: no assertion criteria provided. Collection method: clinical testing. Allele origin: germline. Not counted in ClinVar's aggregate classification.